The following is an entry in ClinVar:

ClinVar aggregate classification (germline): Conflicting classifications of pathogenicity. Review status: criteria provided, conflicting classifications (1 of 4 stars). 3 submissions from 3 submitters: Uncertain significance (2); Likely benign (1). Last evaluated 2026-01-19.

Conditions:
5-Oxoprolinase deficiency (OPLAHD). Also called: 5-OXOPROLINURIA DUE TO 5-OXOPROLINASE DEFICIENCY. Identifiers: Orphanet 33572, MedGen C0268525, MONDO:0009825, OMIM 260005, HP:0040142.

Allele frequency attached by ClinVar (database versions not stated): gnomAD exomes 0.00014; 1000 Genomes Project 0.00020; ExAC 0.00028; 1000 Genomes Project 30x 0.00031; gnomAD 0.00048 and 0.00054; TOPMed 0.00058; ESP Exome Variant Server 0.00064.
gnomAD v4.1: 163 of 1,598,374 alleles (0.01%); highest among the groups gnomAD compares: African/African-American, 0.15%; no homozygotes.

Submissions (3):

Labcorp Genetics (formerly Invitae), Labcorp
Classification: Likely benign for 5-Oxoprolinase deficiency. Last evaluated: 2026-01-19. Review status: criteria provided, single submitter. Criteria: Invitae Variant Classification Sherloc (09022015). Collection method: clinical testing. Allele origin: germline.

Ambry Genetics
Classification: Uncertain significance. Last evaluated: 2023-03-07. Review status: criteria provided, single submitter. Criteria: Ambry Variant Classification Scheme 2023. Collection method: clinical testing. Allele origin: germline.

Baylor Genetics
Classification: Uncertain significance for 5-Oxoprolinase deficiency. Last evaluated: 2019-02-15. Review status: criteria provided, single submitter. Criteria: ACMG Guidelines, 2015. Collection method: clinical testing. Allele origin: paternal. Affected: yes.
Comment: This variant was determined to be of uncertain significance according to ACMG Guidelines, 2015 [PMID:25741868].

NM_017570.5(OPLAH):c.1372G>A (p.Val458Met)

Gene: OPLAH (5-oxoprolinase, ATP-hydrolysing; minus strand). Cytogenetic location: 8q24.3.
Variant type: single nucleotide variant.
Coding change: c.1372G>A on transcript NM_017570.5 (MANE Select); coding-DNA position 1372, G replaced by A.
Protein change: p.Val458Met; replaces valine 458 with methionine.
Molecular consequence: missense variant.
Genome position (GRCh38, 1-based): chr8:144,057,498, C>T on the plus strand (G>A on the coding strand, the complement: OPLAH is on the minus strand). VCF-style: chr8-144057498-C-T. GRCh37 (hg19) VCF-style: chr8-145112401-C-T.
Other names: short protein forms V458M.
Identifiers: ClinVar variation 735200 (VCV000735200.11), dbSNP rs144920839, ClinGen allele CA4931900.
Genomic context (GRCh38, chr8:144,057,498, plus strand): 5'-GTGGACGTACCTGCGTGAGTGCACGGATGGGCCGGCACATGGCCTCGTTGGCCACGCGCA[C>T]GAACCCCATGGCCACCTCCTCCAGGCTCAGCGGGGAGGCCGGGCAGGGCCCGTTGGTCAG-3'
Protein context (NP_060040.1, residues 448-468): LSLEEVAMGF[Val458Met]RVANEAMCRP